The following is an entry in ClinVar:

ClinVar aggregate classification (germline): Uncertain significance (1 of 4 stars; one submission).

Allele frequency attached by ClinVar (database versions not stated): gnomAD 0.00011; TOPMed 0.00018; ESP Exome Variant Server 0.00023.
gnomAD v4.1: 35 of 1,613,556 alleles (0.0022%); highest among the groups gnomAD compares: African/African-American, 0.045%; no homozygotes.

Submission:

Ambry Genetics
Classification: Uncertain significance. Last evaluated: 2024-09-13. Review status: criteria provided, single submitter. Criteria: Ambry Variant Classification Scheme 2023. Collection method: clinical testing. Allele origin: germline.
Comment: The p.H613Y variant (also known as c.1837C>T), located in coding exon 12 of the POLQ gene, results from a C to T substitution at nucleotide position 1837. The histidine at codon 613 is replaced by tyrosine, an amino acid with similar properties. This amino acid position is conserved. In addition, this alteration is predicted to be tolerated by in silico analysis. Since supporting evidence is limited at this time, the clinical significance of this alteration remains unclear.

NM_199420.4(POLQ):c.1837C>T (p.His613Tyr)

Gene: POLQ (DNA polymerase theta; minus strand). Cytogenetic location: 3q13.33.
Variant type: single nucleotide variant.
Coding change: c.1837C>T on transcript NM_199420.4 (MANE Select); coding-DNA position 1837, C replaced by T.
Protein change: p.His613Tyr; replaces histidine 613 with tyrosine.
Molecular consequence: missense variant.
Genome position (GRCh38, 1-based): chr3:121,509,683, G>A on the plus strand (C>T on the coding strand, the complement: POLQ is on the minus strand). VCF-style: chr3-121509683-G-A. GRCh37 (hg19) VCF-style: chr3-121228530-G-A.
Other names: short protein forms H613Y.
Identifiers: ClinVar variation 1781061 (VCV001781061.3), dbSNP rs146629376, ClinGen allele CA2563430.